The following is an entry in ClinVar:

ClinVar aggregate classification (germline): Uncertain significance (1 of 4 stars; one submission).

Conditions:
Rubinstein-Taybi syndrome due to EP300 haploinsufficiency. Also called: EP300-Related Rubinstein-Taybi Syndrome; RUBINSTEIN-TAYBI SYNDROME 2. Identifiers: Orphanet 353284, Orphanet 783, MedGen C3150941, MONDO:0013364, OMIM 613684.

gnomAD v4.1: 1 of 1,614,174 alleles (0.000062%); highest among the groups gnomAD compares: Admixed American, 0.0017%; no homozygotes.

Submission:

Labcorp Genetics (formerly Invitae), Labcorp
Classification: Uncertain significance for Rubinstein-Taybi syndrome due to EP300 haploinsufficiency. Last evaluated: 2025-01-23. Review status: criteria provided, single submitter. Criteria: Invitae Variant Classification Sherloc (09022015). Collection method: clinical testing. Allele origin: germline.
Comment: This sequence change replaces alanine, which is neutral and non-polar, with glycine, which is neutral and non-polar, at codon 2050 of the EP300 protein (p.Ala2050Gly). This variant is not present in population databases (gnomAD no frequency). This variant has not been reported in the literature in individuals affected with EP300-related conditions. Invitae Evidence Modeling of protein sequence and biophysical properties (such as structural, functional, and spatial information, amino acid conservation, physicochemical variation, residue mobility, and thermodynamic stability) indicates that this missense variant is not expected to disrupt EP300 protein function with a negative predictive value of 80%. In summary, the available evidence is currently insufficient to determine the role of this variant in disease. Therefore, it has been classified as a Variant of Uncertain Significance.

NM_001429.4(EP300):c.6149C>G (p.Ala2050Gly)

Gene: EP300 (EP300 lysine acetyltransferase; plus strand). Cytogenetic location: 22q13.2.
Variant type: single nucleotide variant.
Coding change: c.6149C>G on transcript NM_001429.4 (MANE Select); coding-DNA position 6149, C replaced by G.
Protein change: p.Ala2050Gly; replaces alanine 2050 with glycine.
Molecular consequence: missense variant.
Genome position (GRCh38, 1-based): chr22:41,177,860, C>G. VCF-style: chr22-41177860-C-G. GRCh37 (hg19) VCF-style: chr22-41573864-C-G.
Other names: c.6071C>G, p.Ala2024Gly (NM_001362843.2); short protein forms A2024G, A2050G.
Identifiers: ClinVar variation 3713628 (VCV003713628.2).
Genomic context (GRCh38, chr22:41,177,860, plus strand): 5'-AACCAGGATTGGGCCAGGTAGGTATCAGCCCACTCAAACCAGGCACTGTGTCTCAACAAG[C>G]CTTACAAAACCTTTTGCGGACTCTCAGGTCTCCCAGCTCTCCCCTGCAGCAGCAACAGGT-3'
Protein context (NP_001420.2, residues 2040-2060): PLKPGTVSQQ[Ala2050Gly]LQNLLRTLRS